The following is an entry in ClinVar:

ClinVar aggregate classification (germline): Pathogenic/Likely pathogenic. Review status: criteria provided, multiple submitters, no conflicts (2 of 4 stars). 9 submissions from 9 submitters: Pathogenic (4); Likely pathogenic (2). 3 of the submissions do not count toward it. Last evaluated 2025-10-29.

Conditions:
Hereditary cancer-predisposing syndrome. Also called: Hereditary Cancer Syndrome; Hereditary neoplastic syndrome; Neoplastic Syndromes, Hereditary; Tumor predisposition. Identifiers: Orphanet 140162, MedGen C0027672, MeSH D009386, MONDO:0015356.
Gastric cancer. Also called: Malignant tumor of stomach; Stomach cancer. Identifiers: MedGen C0024623, MeSH D013274, MONDO:0001056, OMIM 613659, HP:0012126.
Hereditary breast ovarian cancer syndrome. Also called: BRCA1- and BRCA2-Associated Hereditary Breast and Ovarian Cancer; Hereditary breast and ovarian cancer syndrome; Hereditary breast and ovarian cancer syndrome (HBOC); Breast and ovarian cancer; Hereditary breast and/or ovarian cancer syndrome; Hereditary breast and ovarian cancer. Identifiers: Orphanet 145, MedGen C0677776, MeSH D061325, MONDO:0003582. Disease mechanism: loss of function.
Breast-ovarian cancer, familial, susceptibility to, 1 (BROVCA1). Also called: BRCA1 Hereditary Breast and Ovarian Cancer; OVARIAN CANCER, SUSCEPTIBILITY TO. Identifiers: Orphanet 145, MedGen C2676676, MONDO:0011450, OMIM 604370. Disease mechanism: loss of function.

Allele frequency attached by ClinVar (database versions not stated): gnomAD exomes below 0.00001.
gnomAD v4.1: 1 of 1,613,876 alleles (0.000062%); highest among the groups gnomAD compares: Non-Finnish European, 0.000085%; no homozygotes.

Submissions (10):

Ambry Genetics
Classification: Pathogenic for Hereditary cancer-predisposing syndrome. Last evaluated: 2025-10-29. Review status: criteria provided, single submitter. Criteria: Ambry Variant Classification Scheme 2023. Collection method: clinical testing. Allele origin: germline.
Comment: The p.Y1853C pathogenic mutation (also known as c.5558A>G), located in coding exon 22 of the BRCA1 gene, results from an A to G substitution at nucleotide position 5558. The tyrosine at codon 1853 is replaced by cysteine, an amino acid with highly dissimilar properties. This alteration is non-functional in multiple different assays including a haploid cell survival assay, multiple protease/protein stabilization assays, peptide binding and specificity assays and transcription activation assays (Williams RS et al. J. Biol. Chem. 2003 Dec;278:53007-16; Lee MS et al. Cancer Res. 2010 Jun;70:4880-90; Rowling PJ et al. J. Biol. Chem. 2010 Jun;285:20080-7; Findlay GM et al. Nature, 2018 10;562:217-222). This amino acid position is highly conserved in available vertebrate species. In addition, this alteration is predicted to be deleterious by in silico analysis. Based on the supporting evidence, this variant is interpreted as a disease-causing mutation.

Color Diagnostics, LLC DBA Color Health
Classification: Pathogenic for Hereditary cancer-predisposing syndrome. Last evaluated: 2025-06-09. Review status: criteria provided, single submitter. Criteria: ACMG Guidelines, 2015. Collection method: clinical testing. Allele origin: germline.
Comment: This missense variant replaces tyrosine with cysteine at codon 1853 of the BRCA1 protein. Computational prediction tool suggests that this variant may have deleterious impact on protein structure and function. Functional studies have reported that this variant impacts BRCA1 function in a haploid cell proliferation assay (PMID: 30209399) and in transcription activation, phosphopeptide binding and protein stability (PMID: 20516115, 23842040). This variant has been reported in at least six individuals affected with breast and/or ovarian cancer (PMID: 19016756, 23842040, 24249303, 30606148, 30287823Color internal data). This variant has been reported to segregate with breast cancer in at least one family (PMID: 23842040), and a multifactorial analysis has reported segregation and family history likelihood ratios for pathogenicity of 12.663 and 2.2927, respectively (PMID: 31131967). This variant has not been identified in the general population by the Genome Aggregation Database (gnomAD). Based on the available evidence, this variant is classified as Pathogenic.

GeneDx
Classification: Likely pathogenic. Last evaluated: 2024-04-15. Review status: criteria provided, single submitter. Criteria: GeneDx Variant Classification Process June 2021. Collection method: clinical testing. Allele origin: germline. Affected: yes.
Comment: Observed in individuals with a personal and/or family history of breast and/or ovarian cancer (PMID: 19016756, 23842040, 24249303, 29176636, 30287823, 29470806, 30606148, 30374176, 35557031); Published functional studies demonstrate a damaging effect: impaired protein stability, binding, sensitivity, transciptional activity, and cell survival (PMID: 15133503, 20516115, 20378548, 23842040, 28781887, 30209399, 30765603); In silico analysis supports that this missense variant has a deleterious effect on protein structure/function; Not observed at significant frequency in large population cohorts (gnomAD); Also known as 5677G>A; This variant is associated with the following publications: (PMID: 34413315, 15235020, 23842040, 30765603, 20516115, 28781887, 31131967, 20378548, 15133503, 14534301, 30209399, 29470806, 30606148, 30374176, 30287823, 29176636, 24249303, 19016756, 17305420, 35409996, 34983974, 36010882, 35557031, 38543119, 35534113, 25348405, 35665744, 33087888)

Women's Health and Genetics/Laboratory Corporation of America, LabCorp
Classification: Pathogenic for Hereditary breast ovarian cancer syndrome. Last evaluated: 2022-05-31. Review status: criteria provided, single submitter. Criteria: LabCorp Variant Classification Summary - May 2015. Collection method: clinical testing. Allele origin: germline.
Comment: Variant summary: BRCA1 c.5558A>G (p.Tyr1853Cys) results in a non-conservative amino acid change located in the BRCT domain (IPR001357) of the encoded protein sequence. Five of five in-silico tools predict a damaging effect of the variant on protein function. The variant was absent in 250374 control chromosomes. c.5558A>G has been reported in the literature from Japan, India and Brazil in individuals affected with Hereditary Breast and Ovarian Cancer (examples, Sugano_2008, Nakamura_2015, Kawaku_2013, Arai_2018, Singh_2018, Cotrim_2019, Tsai_2019). These data indicate that the variant is likely to be associated with disease. Several publications report experimental evidence evaluating an impact on protein function (examples, Lee_2010, Kawaku_2013, Woods_2016, Findlay_2018). The most pronounced variant effect results in a reduction of activity across multiple independent measures ranging from transcriptional assays (<10% of WT), structural stability (32% of WT), phosphopeptide binding activity (14% of WT), and protease sensitivity (30% of WT) and loss of homology directed repair (HDR) activity (Findlay_2018). Four clinical diagnostic laboratories have submitted clinical-significance assessments for this variant to ClinVar after 2014 without evidence for independent evaluation. All laboratories classified the variant as likely pathogenic. Based on the overall directionality of evidence spanning over a decade supporting a pathogenic outcome as evidence outlined above, the variant was classified as pathogenic.

Labcorp Genetics (formerly Invitae), Labcorp
Classification: Pathogenic for Hereditary breast ovarian cancer syndrome. Last evaluated: 2021-12-09. Review status: criteria provided, single submitter. Criteria: Invitae Variant Classification Sherloc (09022015). Collection method: clinical testing. Allele origin: germline.
Comment: ClinVar contains an entry for this variant (Variation ID: 55627). This missense change has been observed in individual(s) with hereditary breast and/or ovarian cancer and breast cancer (PMID: 23842040, 29176636, 29470806, 30287823, 30374176). It has also been observed to segregate with disease in related individuals. This variant is not present in population databases (gnomAD no frequency). This sequence change replaces tyrosine, which is neutral and polar, with cysteine, which is neutral and slightly polar, at codon 1853 of the BRCA1 protein (p.Tyr1853Cys). For these reasons, this variant has been classified as Pathogenic. Experimental studies have shown that this missense change affects BRCA1 function (PMID: 14534301, 20378548, 20516115, 23842040, 30209399). Advanced modeling of experimental studies (such as gene expression, population dynamics, functional pathways, and cell-cycle effects in cell culture) performed at Invitae indicates that this missense variant is expected to disrupt BRCA1 protein function.

University of Washington Department of Laboratory Medicine, University of Washington
Classification: Likely pathogenic for Hereditary breast and ovarian cancer syndrome. Last evaluated: 2018-05-03. Review status: criteria provided, single submitter. Criteria: Tsai GJ et al. (Genet Med 2018). Collection method: research. Allele origin: germline. Inheritance: Autosomal dominant inheritance. Affected: yes.
Comment: The BRCA1 variant designated as p.Y1853C (NM_007294.3:c.5558A>G, historically referred to as 5677A>G) was previously classified as a variant of uncertain significance and is now classified as likely pathogenic. Cosegregation analysis of one observed family was performed using an online resource (RaÃ±ola et al, 2018, PMID:28965303). Analysis of this family shows yields a likelihood ratio of 1.9 to 1 (Thompson, et al., 2003, PMID:290079) that this allele is causing cancer within the family. This BRCA1 amino acid position is highly conserved. The variant is not listed in population databases such as ExAC or gnomAD. Functional data suggests that this variant compromises the BRCT domain (Lee 2010, PMID:20516115). More recent functional data is consistent with earlier findings and also indicates that the variant leads to a non-functional protein (Findlay et al, 2018, PMID:30209399). The combined results are consistent with a classification of likely pathogenic. This variant is predicted to alter BRCA1 function and increase breast and ovarian cancer risk. This analysis was performed in conjunction with the family studies project as part of the University of Washington Find My Variant Study.

Laboratory for Genotyping Development, RIKEN
Classification: Pathogenic for Gastric cancer. Last evaluated: 2021-07-01. Review status: no assertion criteria provided. Collection method: research. Allele origin: germline. Not counted in ClinVar's aggregate classification.

BRCAlab, Lund University
Classification: Likely pathogenic for Breast-ovarian cancer, familial, susceptibility to, 1. Last evaluated: 2020-03-02. Review status: no assertion criteria provided. Collection method: clinical testing. Allele origin: germline. Affected: yes. Not counted in ClinVar's aggregate classification.

Breast Cancer Information Core (BIC) (BRCA1)
Classification: Uncertain significance for Breast-ovarian cancer, familial 1. Last evaluated: 2002-06-20. Review status: no assertion criteria provided. Collection method: clinical testing. Allele origin: germline. Affected: yes. Observed: 1 variant allele. Not counted in ClinVar's aggregate classification.

Brotman Baty Institute, University of Washington
No classification provided (evidence only). Condition: Breast-ovarian cancer, familial 1. Review status: no classification provided. Collection method: in vitro. Allele origin: not applicable. Functional consequence: functionally_abnormal. Not counted in ClinVar's aggregate classification.
ClinVar note: "not provided" was previously submitted as the classification for the variant. However, the classification appeared to be based only on an observation of functional data so it was converted to no classification on 2025-07-30.

Literature cited by the submitters: PubMed 14534301 (cited by Ambry Genetics and Labcorp Genetics (formerly Invitae), Labcorp); PubMed 15133503 (cited by Ambry Genetics); PubMed 15235020 (cited by Ambry Genetics); PubMed 17305420 (cited by Ambry Genetics); PubMed 19016756 (cited by 3 submitters); PubMed 20378548 (cited by Ambry Genetics and Labcorp Genetics (formerly Invitae), Labcorp); PubMed 20516115 (cited by 4 submitters); PubMed 23842040 (cited by 4 submitters); PubMed 24249303 (cited by 3 submitters); PubMed 28781887 (cited by Ambry Genetics and Women's Health and Genetics/Laboratory Corporation of America, LabCorp); PubMed 29176636 (cited by 3 submitters); PubMed 29192238 (cited by Ambry Genetics); PubMed 29470806 (cited by 3 submitters); PubMed 30209399 (cited by 4 submitters); PubMed 30374176 (cited by 3 submitters); PubMed 30606148 (cited by 3 submitters); PubMed 30765603 (cited by Ambry Genetics); PubMed 31131967 (cited by Ambry Genetics and Color Diagnostics, LLC DBA Color Health); PubMed 33037428 (cited by Ambry Genetics); PubMed 33428613 (cited by Ambry Genetics); PubMed 30287823 (cited by Color Diagnostics, LLC DBA Color Health and Labcorp Genetics (formerly Invitae), Labcorp); PubMed 36988593 (cited by Laboratory for Genotyping Development, RIKEN).

NM_007294.4(BRCA1):c.5558A>G (p.Tyr1853Cys)

Gene: BRCA1 (BRCA1 DNA repair associated; minus strand). Cytogenetic location: 17q21.31.
Variant type: single nucleotide variant.
Coding change: c.5558A>G on transcript NM_007294.4 (MANE Select); coding-DNA position 5558, A replaced by G.
Protein change: p.Tyr1853Cys; replaces tyrosine 1853 with cysteine.
Molecular consequence: missense variant. On other transcripts: 3 prime UTR variant (1), non-coding transcript variant (1).
Genome position (GRCh38, 1-based): chr17:43,045,712, T>C on the plus strand (A>G on the coding strand, the complement: BRCA1 is on the minus strand). VCF-style: chr17-43045712-T-C. GRCh37 (hg19) VCF-style: chr17-41197729-T-C.
Other names: 5677A>G; c.5417A>G, p.Tyr1806Cys (NM_001407724.1, NM_001407725.1, NM_001407726.1 and 12 more transcripts); c.5414A>G, p.Tyr1805Cys (NM_001407732.1, NM_001407733.1, NM_001407743.1 and 18 more transcripts); c.5552A>G, p.Tyr1851Cys (NM_001407638.1, NM_001407639.1, NM_001407640.1 and 13 more transcripts); c.5549A>G, p.Tyr1850Cys (NM_001407644.1, NM_001407645.1); c.5546A>G, p.Tyr1849Cys (NM_001407646.1); c.5543A>G, p.Tyr1848Cys (NM_001407647.1); c.5501A>G, p.Tyr1834Cys (NM_001407648.1); and 75 more; short protein forms Y1853C, Y1806C, Y749C, Y1874C, Y1556C, Y1557C, Y1699C, Y1740C.
Identifiers: ClinVar variation 55627 (VCV000055627.41), dbSNP rs80357258, ClinGen allele CA003714.